The following is an entry in ClinVar:

NM_001267550.2(TTN):c.101194A>G (p.Thr33732Ala)

Genes: TTN-AS1 (TTN antisense RNA 1; plus strand), TTN (titin; minus strand). Cytogenetic location: 2q31.2.
Variant type: single nucleotide variant.
Coding change: c.101194A>G on transcript NM_001267550.2 (MANE Select); coding-DNA position 101194, A replaced by G.
Protein change: p.Thr33732Ala; replaces threonine 33732 with alanine.
Molecular consequence: missense variant.
Genome position (GRCh38, 1-based): chr2:178,535,421, T>C on the plus strand (A>G on the coding strand, the complement: TTN is on the minus strand). VCF-style: chr2-178535421-T-C. GRCh37 (hg19) VCF-style: chr2-179400148-T-C.
Other names: c.96271A>G, p.Thr32091Ala (NM_001256850.1); c.73999A>G, p.Thr24667Ala (NM_003319.4); c.93490A>G, p.Thr31164Ala (NM_133378.4); c.74374A>G, p.Thr24792Ala (NM_133432.3); c.74575A>G, p.Thr24859Ala (NM_133437.4); short protein forms T31164A, T24859A, T33732A, T24667A, T24792A, T32091A.
Identifiers: ClinVar variation 859914 (VCV000859914.8), dbSNP rs1690986189, ClinGen allele CA349421354.
Genomic context (GRCh38, chr2:178,535,421, plus strand): 5'-AGTTGATCACGGTATAACGTGTTTCTCGGGCCTGTCCTACACGGAGCCATCTTTCTGCAG[T>C]AGTTGCACATTTTTCAACAATGTAGTTGGTGATTTTGCTGCCACCATCAGAGGCTGGCTC-3'
Protein context (NP_001254479.2, residues 33722-33742): TNYIVEKCAT[Thr33732Ala]AERWLRVGQA

ClinVar aggregate classification (germline): Uncertain significance (1 of 4 stars; one submission).

Conditions:
Dilated cardiomyopathy 1G (CMD1G). Identifiers: Orphanet 154, MedGen C1858763, MONDO:0011400, OMIM 604145.
Autosomal recessive limb-girdle muscular dystrophy type 2J (LGMDR10). Also called: Limb-girdle muscular dystrophy, type 2J; MUSCULAR DYSTROPHY, LIMB-GIRDLE, AUTOSOMAL RECESSIVE 10. Identifiers: Orphanet 140922, MedGen C1837342, MONDO:0012127, OMIM 608807.

Allele frequency attached by ClinVar (database versions not stated): gnomAD exomes below 0.00001.
gnomAD v4.1: 2 of 1,613,908 alleles (0.00012%); highest among the groups gnomAD compares: Non-Finnish European, 0.00017%; no homozygotes.

Submission:

Labcorp Genetics (formerly Invitae), Labcorp
Classification: Uncertain significance for Dilated cardiomyopathy 1G; Autosomal recessive limb-girdle muscular dystrophy type 2J. Last evaluated: 2019-12-15. Review status: criteria provided, single submitter. Criteria: Invitae Variant Classification Sherloc (09022015). Collection method: clinical testing. Allele origin: germline.
Comment: This sequence change replaces threonine with alanine at codon 33732 of the TTN protein (p.Thr33732Ala). There is a small physicochemical difference between threonine and alanine. This variant is not present in population databases (ExAC no frequency). This variant has not been reported in the literature in individuals with TTN-related conditions. In summary, the available evidence is currently insufficient to determine the role of this variant in disease. Therefore, it has been classified as a Variant of Uncertain Significance. This variant is located in the M band of TTN (PMID: 25589632). Variants in this region may be relevant for neuromuscular disorders, but have not been definitively shown to cause cardiomyopathy (PMID: 23975875). Algorithms developed to predict the effect of missense changes on protein structure and function are unavailable for the TTN gene.

Literature cited by the submitters: PubMed 25589632; PubMed 23975875.